The following is an entry in ClinVar:

ClinVar aggregate classification (germline): Benign. Review status: criteria provided, single submitter (1 of 4 stars). 2 submissions from 2 submitters: Benign (1). 1 of the submissions does not count toward it. Last evaluated 2025-09-24.

Conditions:
Combined oxidative phosphorylation defect type 27. Also called: Combined oxidative phosphorylation deficiency 27. Identifiers: Orphanet 477774, MedGen C5567608, MONDO:0014728, OMIM 616672.
CARS2-related disorder. Also called: CARS2-related condition.

Allele frequency attached by ClinVar (database versions not stated): gnomAD 0.00009 and 0.00015; TOPMed 0.00016; ExAC 0.00036; 1000 Genomes Project 0.00100; 1000 Genomes Project 30x 0.00109.
gnomAD v4.1: 216 of 1,612,226 alleles (0.013%); highest among the groups gnomAD compares: East Asian, 0.43%; 1 homozygote.

Submissions (2):

Labcorp Genetics (formerly Invitae), Labcorp
Classification: Benign for Combined oxidative phosphorylation defect type 27. Last evaluated: 2025-09-24. Review status: criteria provided, single submitter. Criteria: Invitae Variant Classification Sherloc (09022015). Collection method: clinical testing. Allele origin: germline.

PreventionGenetics, part of Exact Sciences
Classification: Likely benign for CARS2-related condition. Last evaluated: 2019-03-18. Review status: no assertion criteria provided. Collection method: clinical testing. Allele origin: germline. Not counted in ClinVar's aggregate classification.
Comment: This variant is classified as likely benign based on ACMG/AMP sequence variant interpretation guidelines (Richards et al. 2015 PMID: 25741868, with internal and published modifications).

NM_024537.4(CARS2):c.1059C>T (p.Ile353=)

Gene: CARS2 (cysteinyl-tRNA synthetase 2, mitochondrial; minus strand). Cytogenetic location: 13q34.
Variant type: single nucleotide variant.
Coding change: c.1059C>T on transcript NM_024537.4 (MANE Select); coding-DNA position 1059, C replaced by T.
Protein change: p.Ile353=; no amino-acid change (isoleucine 353 retained).
Molecular consequence: synonymous variant. On other transcripts: non-coding transcript variant (2).
Genome position (GRCh38, 1-based): chr13:110,647,235, G>A on the plus strand (C>T on the coding strand, the complement: CARS2 is on the minus strand). VCF-style: chr13-110647235-G-A. GRCh37 (hg19) VCF-style: chr13-111299582-G-A.
Other names: c.273C>T, p.Ile91= (NM_001352252.2).
Identifiers: ClinVar variation 475614 (VCV000475614.14), dbSNP rs200079151, ClinGen allele CA7051920.